The following is an entry in ClinVar:

NM_052989.3(IFT122):c.630T>A (p.Tyr210Ter)

Gene: IFT122 (intraflagellar transport 122; plus strand). Cytogenetic location: 3q21.3.
Variant type: single nucleotide variant.
Coding change: c.630T>A on transcript NM_052989.3 (MANE Select); coding-DNA position 630, T replaced by A.
Protein change: p.Tyr210Ter; replaces tyrosine 210 with a stop codon.
Molecular consequence: nonsense. On other transcripts: intron variant (10).
Genome position (GRCh38, 1-based): chr3:129,466,956, T>A. VCF-style: chr3-129466956-T-A. GRCh37 (hg19) VCF-style: chr3-129185799-T-A.
Other names: c.630T>A, p.Tyr210Ter (NM_001410808.1, NM_001410809.1); c.474T>A, p.Tyr158Ter (NM_001438637.1, NM_001438638.1, NM_001438639.1 and 1 more transcripts); c.783T>A, p.Tyr261Ter (NM_052985.4); c.716+2175T>A (NM_001280541.2); c.563+2175T>A (NM_001410810.1, NM_018262.4, NM_001410811.1 and 1 more transcripts); c.180T>A, p.Tyr60Ter (NM_001280545.2); c.113+2175T>A (NM_001280546.2); c.407+2175T>A (NM_052990.3, NM_001410815.1, NM_001410817.1 and 1 more transcripts); short protein forms Y210*, Y261*, Y158*, Y60*.
Identifiers: ClinVar variation 5006534 (VCV005006534.2).

ClinVar aggregate classification (germline): Likely pathogenic (1 of 4 stars; one submission).

Conditions:
Cranioectodermal dysplasia 1 (CED1). Also called: LEVIN SYNDROME I. Identifiers: Orphanet 1515, MedGen C0432235, MONDO:0021093, OMIM 218330.

gnomAD v4.1: 4 of 1,614,066 alleles (0.00025%); highest among the groups gnomAD compares: East Asian, 0.0089%; no homozygotes.

Submission:

Juno Genomics, Hangzhou Juno Genomics, Inc
Classification: Likely pathogenic for Cranioectodermal dysplasia 1. Review status: criteria provided, single submitter. Criteria: ACMG Guidelines, 2015. Collection method: clinical testing. Allele origin: germline.
Comment: Null variant in a gene where loss of function (LOF) is a known mechanism of disease.;Absent from controls (or at extremely low frequency if recessive) in Genome Aggregation Database.